The following is an entry in ClinVar:

ClinVar aggregate classification (germline): Uncertain significance. Review status: criteria provided, multiple submitters, no conflicts (2 of 4 stars). 2 submissions from 2 submitters: Uncertain significance (2). Last evaluated 2024-04-12.

Conditions:
Developmental and epileptic encephalopathy, 42 (DEE42A). Also called: DEVELOPMENTAL AND EPILEPTIC ENCEPHALOPATHY 42A; EPILEPTIC ENCEPHALOPATHY, EARLY INFANTILE, 42A; Epileptic encephalopathy, early infantile, 42. Identifiers: MedGen C4310716, MONDO:0014917, OMIM 617106.
Episodic ataxia type 2 (EA2). Also called: ATAXIA, EPISODIC, WITH NYSTAGMUS; ATAXIA, FAMILIAL PAROXYSMAL; CEREBELLAR ATAXIA, PAROXYSMAL, ACETAZOLAMIDE-RESPONSIVE; CEREBELLOPATHY, HEREDITARY PAROXYSMAL; EPISODIC ATAXIA, NYSTAGMUS-ASSOCIATED; ACETAZOLAMIDE-RESPONSIVE HEREDITARY PAROXYSMAL CEREBELLAR ATAXIA. Identifiers: Orphanet 97, MedGen C1720416, MONDO:0007163, OMIM 108500.

Submissions (2):

Labcorp Genetics (formerly Invitae), Labcorp
Classification: Uncertain significance for Developmental and epileptic encephalopathy, 42; Episodic ataxia type 2. Last evaluated: 2024-04-12. Review status: criteria provided, single submitter. Criteria: Invitae Variant Classification Sherloc (09022015). Collection method: clinical testing. Allele origin: germline.
Comment: This sequence change replaces methionine, which is neutral and non-polar, with leucine, which is neutral and non-polar, at codon 1069 of the CACNA1A protein (p.Met1069Leu). This variant is not present in population databases (gnomAD no frequency). This variant has not been reported in the literature in individuals affected with CACNA1A-related conditions. Advanced modeling of protein sequence and biophysical properties (such as structural, functional, and spatial information, amino acid conservation, physicochemical variation, residue mobility, and thermodynamic stability) performed at Invitae indicates that this missense variant is not expected to disrupt CACNA1A protein function with a negative predictive value of 95%. In summary, the available evidence is currently insufficient to determine the role of this variant in disease. Therefore, it has been classified as a Variant of Uncertain Significance.

GeneDx
Classification: Uncertain significance. Last evaluated: 2024-02-13. Review status: criteria provided, single submitter. Criteria: GeneDx Variant Classification Process June 2021. Collection method: clinical testing. Allele origin: germline. Affected: yes.
Comment: Not observed at significant frequency in large population cohorts (gnomAD); In silico analysis supports that this missense variant does not alter protein structure/function; Has not been previously published as pathogenic or benign to our knowledge

NM_001127222.2(CACNA1A):c.3202A>T (p.Met1068Leu)

Gene: CACNA1A (calcium voltage-gated channel subunit alpha1 A; minus strand). Cytogenetic location: 19p13.13.
Variant type: single nucleotide variant.
Coding change: c.3202A>T on transcript NM_001127222.2 (MANE Select); coding-DNA position 3202, A replaced by T.
Protein change: p.Met1068Leu; replaces methionine 1068 with leucine.
Molecular consequence: missense variant.
Genome position (GRCh38, 1-based): chr19:13,286,854, T>A on the plus strand (A>T on the coding strand, the complement: CACNA1A is on the minus strand). VCF-style: chr19-13286854-T-A. GRCh37 (hg19) VCF-style: chr19-13397668-T-A.
Other names: c.3214A>T, p.Met1072Leu (NM_000068.4, NM_023035.3); c.3205A>T, p.Met1069Leu (NM_001127221.2, NM_001174080.2); short protein forms M1068L, M1069L, M1072L.
Identifiers: ClinVar variation 3369225 (VCV003369225.3).